The following is an entry in ClinVar:

NM_003872.3(NRP2):c.2116C>A (p.Pro706Thr)

Gene: NRP2 (neuropilin 2; plus strand). Cytogenetic location: 2q33.3.
Variant type: single nucleotide variant.
Coding change: c.2116C>A on transcript NM_003872.3 (MANE Select); coding-DNA position 2116, C replaced by A.
Protein change: p.Pro706Thr; replaces proline 706 with threonine.
Molecular consequence: missense variant.
Genome position (GRCh38, 1-based): chr2:205,763,745, C>A. VCF-style: chr2-205763745-C-A. GRCh37 (hg19) VCF-style: chr2-206628469-C-A.
Other names: c.2116C>A, p.Pro706Thr (NM_018534.4, NM_201266.2, NM_201267.2 and 1 more transcripts); short protein forms P706T.
Identifiers: ClinVar variation 3357709 (VCV003357709.1).
Genomic context (GRCh38, chr2:205,763,745, plus strand): 5'-TTCTTGCGGCTGCAGAGTGACAGCCAGAGAGAGGGCCAGTATGCCCGGCTCATCAGCCCC[C>A]CTGTCCACCTGCCCCGAAGCCCGGTGTGCATGGAGTTCCAGTACCAGGCCACGGGCGGCC-3'
Protein context (NP_003863.2, residues 696-716): EGQYARLISP[Pro706Thr]VHLPRSPVCM

ClinVar aggregate classification (germline): Uncertain significance (0 of 4 stars; one submission).

Conditions:
NRP2-related disorder. Also called: NRP2-related condition.

gnomAD v4.1: 2 of 1,614,240 alleles (0.00012%); highest among the groups gnomAD compares: Non-Finnish European, 0.00017%; no homozygotes.

Submission:

PreventionGenetics, part of Exact Sciences
Classification: Uncertain significance for NRP2-related condition. Last evaluated: 2023-10-27. Review status: no assertion criteria provided. Collection method: clinical testing. Allele origin: germline.
Comment: The NRP2 c.2116C>A variant is predicted to result in the amino acid substitution p.Pro706Thr. To our knowledge, this variant has not been reported in the literature or in a large population database, indicating this variant is rare. At this time, the clinical significance of this variant is uncertain due to the absence of conclusive functional and genetic evidence.